The following is an entry in ClinVar:

ClinVar aggregate classification (germline): Likely benign (1 of 4 stars; one submission).

Allele frequency attached by ClinVar (database versions not stated): gnomAD exomes 0.00073; gnomAD 0.00748; TOPMed 0.00788; 1000 Genomes Project 0.00998; 1000 Genomes Project 30x 0.01062.

Submission:

GeneDx
Classification: Likely benign. Last evaluated: 2020-04-09. Review status: criteria provided, single submitter. Criteria: GeneDx Variant Classification Process June 2021. Collection method: clinical testing. Allele origin: germline. Affected: yes.
Comment: See Variant Classification Assertion Criteria.

NM_004525.3(LRP2):c.8005+81del

Gene: LRP2 (LDL receptor related protein 2; minus strand). Cytogenetic location: 2q31.1.
Variant type: Deletion.
Coding change: c.8005+81del on transcript NM_004525.3 (MANE Select); 81 bases into the intron after coding-DNA position 8005, one base deleted (A; older notation c.8005+81delA).
Molecular consequence: intron variant.
Genome position (GRCh38, 1-based): chr2:169,203,901, T deleted on the plus strand (A on the coding strand, the reverse complement: LRP2 is on the minus strand). VCF-style (leftmost placement, unchanged base first): chr2-169203900-CT-C. GRCh37 (hg19) VCF-style: chr2-170060410-CT-C.
Identifiers: ClinVar variation 2502580 (VCV002502580.1), dbSNP rs201846229, ClinGen allele CA59931643.